The following is an entry in ClinVar:

NM_003000.3(SDHB):c.250G>A (p.Asp84Asn)

Gene: SDHB (succinate dehydrogenase complex iron sulfur subunit B; minus strand). Cytogenetic location: 1p36.13.
Variant type: single nucleotide variant.
Coding change: c.250G>A on transcript NM_003000.3 (MANE Select); coding-DNA position 250, G replaced by A.
Protein change: p.Asp84Asn; replaces aspartic acid 84 with asparagine.
Molecular consequence: missense variant.
Genome position (GRCh38, 1-based): chr1:17,033,096, C>T on the plus strand (G>A on the coding strand, the complement: SDHB is on the minus strand). VCF-style: chr1-17033096-C-T. GRCh37 (hg19) VCF-style: chr1-17359591-C-T.
Other names: short protein forms D84N.
Identifiers: ClinVar variation 955188 (VCV000955188.7), dbSNP rs2078032193, ClinGen allele CA338276515.

ClinVar aggregate classification (germline): Uncertain significance. Review status: criteria provided, multiple submitters, no conflicts (2 of 4 stars). 2 submissions from 2 submitters: Uncertain significance (2). Last evaluated 2025-10-23.

Conditions:
Gastrointestinal stromal tumor. Also called: Gastrointestinal stromal tumor, somatic; Gastrointestinal stroma tumor. Identifiers: Orphanet 44890, MedGen C0238198, MeSH D046152, MONDO:0011719, OMIM 606764, HP:0100723.
Pheochromocytoma/paraganglioma syndrome 4. Also called: CAROTID BODY TUMORS AND MULTIPLE EXTRAADRENAL PHEOCHROMOCYTOMAS; SDHB-Related Hereditary Paraganglioma-Pheochromocytoma Syndrome; Paragangliomas 4; SDHB-Related Hereditary Paraganglioma-Pheochromocytoma Syndrome (Paragangliomas 4); PARAGANGLIOMA, FAMILIAL MALIGNANT; PARAGANGLIOMAS, HEREDITARY EXTRAADRENAL. Identifiers: Orphanet 29072, MedGen C1861848, MONDO:0007273, OMIM 115310.
Pheochromocytoma. Also called: MAX-Related Hereditary Paraganglioma-Pheochromocytoma Syndrome. Identifiers: Orphanet 29072, MedGen C0031511, MONDO:0008233, OMIM 171300, HP:0002666.
Hereditary cancer-predisposing syndrome. Also called: Hereditary neoplastic syndrome; Neoplastic Syndromes, Hereditary; Hereditary Cancer Syndrome; Tumor predisposition. Identifiers: Orphanet 140162, MedGen C0027672, MeSH D009386, MONDO:0015356.

Submissions (2):

Labcorp Genetics (formerly Invitae), Labcorp
Classification: Uncertain significance for Gastrointestinal stromal tumor; Pheochromocytoma/paraganglioma syndrome 4; Pheochromocytoma. Last evaluated: 2025-10-23. Review status: criteria provided, single submitter. Criteria: Invitae Variant Classification Sherloc (09022015). Collection method: clinical testing. Allele origin: germline.
Comment: This sequence change replaces aspartic acid, which is acidic and polar, with asparagine, which is neutral and polar, at codon 84 of the SDHB protein (p.Asp84Asn). This variant is not present in population databases (gnomAD no frequency). This variant has not been reported in the literature in individuals affected with SDHB-related conditions. ClinVar contains an entry for this variant (Variation ID: 955188). Invitae Evidence Modeling of protein sequence and biophysical properties (such as structural, functional, and spatial information, amino acid conservation, physicochemical variation, residue mobility, and thermodynamic stability) indicates that this missense variant is expected to disrupt SDHB protein function with a positive predictive value of 80%. In summary, the available evidence is currently insufficient to determine the role of this variant in disease. Therefore, it has been classified as a Variant of Uncertain Significance.

Ambry Genetics
Classification: Uncertain significance for Hereditary cancer-predisposing syndrome. Last evaluated: 2025-05-21. Review status: criteria provided, single submitter. Criteria: Ambry Variant Classification Scheme 2023. Collection method: clinical testing. Allele origin: germline.
Comment: The p.D84N variant (also known as c.250G>A), located in coding exon 3 of the SDHB gene, results from a G to A substitution at nucleotide position 250. The aspartic acid at codon 84 is replaced by asparagine, an amino acid with highly similar properties. This amino acid position is highly conserved in available vertebrate species. In addition, the in silico prediction for this alteration is inconclusive. Based on the available evidence, the clinical significance of this variant remains unclear.